The following is an entry in ClinVar:

ClinVar aggregate classification (germline): Uncertain significance. Review status: criteria provided, multiple submitters, no conflicts (2 of 4 stars). 2 submissions from 2 submitters: Uncertain significance (2). Last evaluated 2026-07-07.

Conditions:
Gastrointestinal stromal tumor. Also called: Gastrointestinal stroma tumor; Gastrointestinal stromal tumor, somatic. Identifiers: Orphanet 44890, MedGen C0238198, MeSH D046152, MONDO:0011719, OMIM 606764, HP:0100723.
Hereditary cancer-predisposing syndrome. Also called: Tumor predisposition; Hereditary neoplastic syndrome; Neoplastic Syndromes, Hereditary; Hereditary Cancer Syndrome. Identifiers: Orphanet 140162, MedGen C0027672, MeSH D009386, MONDO:0015356.

Submissions (2):

Ambry Genetics
Classification: Uncertain significance for Hereditary cancer-predisposing syndrome. Last evaluated: 2026-07-07. Review status: criteria provided, single submitter. Criteria: Ambry Variant Classification Scheme 2023. Collection method: clinical testing. Allele origin: germline.
Comment: The p.L1007V variant (also known as c.3019C>G), located in coding exon 21 of the PDGFRA gene, results from a C to G substitution at nucleotide position 3019. The leucine at codon 1007 is replaced by valine, an amino acid with highly similar properties. This amino acid position is conserved. In addition, this alteration is predicted to be tolerated by in silico analysis. Based on the available evidence, the clinical significance of this variant remains unclear.

Labcorp Genetics (formerly Invitae), Labcorp
Classification: Uncertain significance for Gastrointestinal stromal tumor. Last evaluated: 2024-07-23. Review status: criteria provided, single submitter. Criteria: Invitae Variant Classification Sherloc (09022015). Collection method: clinical testing. Allele origin: germline.
Comment: This sequence change replaces leucine, which is neutral and non-polar, with valine, which is neutral and non-polar, at codon 1007 of the PDGFRA protein (p.Leu1007Val). This variant is not present in population databases (gnomAD no frequency). This variant has not been reported in the literature in individuals affected with PDGFRA-related conditions. ClinVar contains an entry for this variant (Variation ID: 1721439). An algorithm developed to predict the effect of missense changes on protein structure and function (PolyPhen-2) suggests that this variant is likely to be tolerated. In summary, the available evidence is currently insufficient to determine the role of this variant in disease. Therefore, it has been classified as a Variant of Uncertain Significance.

NM_006206.6(PDGFRA):c.3019C>G (p.Leu1007Val)

Gene: PDGFRA (platelet derived growth factor receptor alpha; plus strand). Cytogenetic location: 4q12.
Variant type: single nucleotide variant.
Coding change: c.3019C>G on transcript NM_006206.6 (MANE Select); coding-DNA position 3019, C replaced by G.
Protein change: p.Leu1007Val; replaces leucine 1007 with valine.
Molecular consequence: missense variant.
Genome position (GRCh38, 1-based): chr4:54,290,451, C>G. VCF-style: chr4-54290451-C-G. GRCh37 (hg19) VCF-style: chr4-55156618-C-G.
Other names: c.3094C>G, p.Leu1032Val (NM_001347828.2); c.3019C>G, p.Leu1007Val (NM_001347829.2); c.3058C>G, p.Leu1020Val (NM_001347830.2); short protein forms L1007V, L1020V, L1032V.
Identifiers: ClinVar variation 1721439 (VCV001721439.7), dbSNP rs1348842755, ClinGen allele CA356896202.
Genomic context (GRCh38, chr4:54,290,451, plus strand): 5'-GCATACATTGGTGTCACCTACAAAAACGAGGAAGACAAGCTGAAGGACTGGGAGGGTGGT[C>G]TGGATGAGCAGAGACTGAGCGCTGACAGTGGCTACATCATTCCTCTGCCTGACATTGACC-3'
Protein context (NP_006197.1, residues 997-1017): EDKLKDWEGG[Leu1007Val]DEQRLSADSG